The following is an entry in ClinVar:

ClinVar aggregate classification (germline): Uncertain significance. Review status: criteria provided, multiple submitters, no conflicts (2 of 4 stars). 2 submissions from 2 submitters: Uncertain significance (2). Last evaluated 2025-12-03.

gnomAD v4.1: 46 of 1,590,830 alleles (0.0029%); highest among the groups gnomAD compares: Admixed American, 0.021%; no homozygotes.

Submissions (2):

Labcorp Genetics (formerly Invitae), Labcorp
Classification: Uncertain significance. Last evaluated: 2025-12-03. Review status: criteria provided, single submitter. Criteria: Invitae Variant Classification Sherloc (09022015). Collection method: clinical testing. Allele origin: germline.
Comment: This sequence change replaces alanine, which is neutral and non-polar, with serine, which is neutral and polar, at codon 50 of the TRAP1 protein (p.Ala50Ser). This variant is present in population databases (rs144776256, gnomAD 0.02%). This variant has not been reported in the literature in individuals affected with TRAP1-related conditions. ClinVar contains an entry for this variant (Variation ID: 3328504). An algorithm developed to predict the effect of missense changes on protein structure and function (PolyPhen-2) suggests that this variant is likely to be tolerated. In summary, the available evidence is currently insufficient to determine the role of this variant in disease. Therefore, it has been classified as a Variant of Uncertain Significance.

Ambry Genetics
Classification: Uncertain significance. Last evaluated: 2024-05-16. Review status: criteria provided, single submitter. Criteria: Ambry Variant Classification Scheme 2023. Collection method: clinical testing. Allele origin: germline.

NM_016292.3(TRAP1):c.148G>T (p.Ala50Ser)

Gene: TRAP1 (TNF receptor associated protein 1; minus strand). Cytogenetic location: 16p13.3.
Variant type: single nucleotide variant.
Coding change: c.148G>T on transcript NM_016292.3 (MANE Select); coding-DNA position 148, G replaced by T.
Protein change: p.Ala50Ser; replaces alanine 50 with serine.
Molecular consequence: missense variant. On other transcripts: intron variant (1).
Genome position (GRCh38, 1-based): chr16:3,690,926, C>A on the plus strand (G>T on the coding strand, the complement: TRAP1 is on the minus strand). VCF-style: chr16-3690926-C-A. GRCh37 (hg19) VCF-style: chr16-3740927-C-A.
Other names: c.89-1789G>T (NM_001272049.2); short protein forms A50S.
Identifiers: ClinVar variation 3328504 (VCV003328504.2).